The following is an entry in ClinVar:

NM_025219.3(DNAJC5):c.437C>T (p.Thr146Met)

Gene: DNAJC5 (DnaJ heat shock protein family (Hsp40) member C5; plus strand). Cytogenetic location: 20q13.33.
Variant type: single nucleotide variant.
Coding change: c.437C>T on transcript NM_025219.3 (MANE Select); coding-DNA position 437, C replaced by T.
Protein change: p.Thr146Met; replaces threonine 146 with methionine.
Molecular consequence: missense variant.
Genome position (GRCh38, 1-based): chr20:63,930,966, C>T. VCF-style: chr20-63930966-C-T. GRCh37 (hg19) VCF-style: chr20-62562319-C-T.
Other names: short protein forms T146M.
Identifiers: ClinVar variation 896433 (VCV000896433.9), dbSNP rs779453928, ClinGen allele CA9969746.

ClinVar aggregate classification (germline): Uncertain significance. Review status: criteria provided, multiple submitters, no conflicts (2 of 4 stars). 3 submissions from 3 submitters: Uncertain significance (3). Last evaluated 2024-10-21.

Conditions:
Inborn genetic diseases. Identifiers: MedGen C0950123, MeSH D030342.
Ceroid lipofuscinosis, neuronal, 4 (Kufs type) (CLN4). Also called: Neuronal ceroid lipofuscinosis 4B; Ceroid lipofuscinosis, neuronal, 4, Parry type. Identifiers: Orphanet 228343, Orphanet 79262, MedGen C1834207, MONDO:0008083, OMIM 162350.
Neuronal ceroid lipofuscinosis. Also called: Neuronal Ceroid Lipofuscinoses. Identifiers: Orphanet 216, Orphanet 79263, MedGen C0027877, MONDO:0016295. Disease mechanism: loss of function.

Allele frequency attached by ClinVar (database versions not stated): ExAC 0.00001; gnomAD exomes 0.00001 and 0.00002; gnomAD 0.00002; TOPMed 0.00002.
gnomAD v4.1: 15 of 1,614,024 alleles (0.00093%); highest among the groups gnomAD compares: Admixed American, 0.005%; no homozygotes.

Submissions (3):

Labcorp Genetics (formerly Invitae), Labcorp
Classification: Uncertain significance for Neuronal ceroid lipofuscinosis. Last evaluated: 2024-10-21. Review status: criteria provided, single submitter. Criteria: Invitae Variant Classification Sherloc (09022015). Collection method: clinical testing. Allele origin: germline.
Comment: This sequence change replaces threonine, which is neutral and polar, with methionine, which is neutral and non-polar, at codon 146 of the DNAJC5 protein (p.Thr146Met). This variant is present in population databases (rs779453928, gnomAD 0.006%). This variant has not been reported in the literature in individuals affected with DNAJC5-related conditions. ClinVar contains an entry for this variant (Variation ID: 896433). An algorithm developed to predict the effect of missense changes on protein structure and function (PolyPhen-2) suggests that this variant is likely to be tolerated. In summary, the available evidence is currently insufficient to determine the role of this variant in disease. Therefore, it has been classified as a Variant of Uncertain Significance.

Ambry Genetics
Classification: Uncertain significance for Inborn genetic diseases. Last evaluated: 2024-09-03. Review status: criteria provided, single submitter. Criteria: Ambry Variant Classification Scheme 2023. Collection method: clinical testing. Allele origin: germline.

Illumina Laboratory Services, Illumina
Classification: Uncertain significance for Ceroid lipofuscinosis, neuronal, 4 (Kufs type). Last evaluated: 2018-01-13. Review status: criteria provided, single submitter. Criteria: ICSL Variant Classification Criteria 13 December 2019. Collection method: clinical testing. Allele origin: germline.